The following is an entry in ClinVar:

ClinVar aggregate classification (germline): Uncertain significance. Review status: criteria provided, multiple submitters, no conflicts (2 of 4 stars). 2 submissions from 2 submitters: Uncertain significance (2). Last evaluated 2023-04-20.

Submissions (2):

Ambry Genetics
Classification: Uncertain significance. Last evaluated: 2023-04-20. Review status: criteria provided, single submitter. Criteria: Ambry Variant Classification Scheme 2023. Collection method: clinical testing. Allele origin: germline.

Labcorp Genetics (formerly Invitae), Labcorp
Classification: Uncertain significance. Last evaluated: 2022-08-28. Review status: criteria provided, single submitter. Criteria: Invitae Variant Classification Sherloc (09022015). Collection method: clinical testing. Allele origin: germline.
Comment: In summary, the available evidence is currently insufficient to determine the role of this variant in disease. Therefore, it has been classified as a Variant of Uncertain Significance. Algorithms developed to predict the effect of missense changes on protein structure and function are either unavailable or do not agree on the potential impact of this missense change (SIFT: "Deleterious"; PolyPhen-2: "Benign"; Align-GVGD: "Class C0"). This variant has not been reported in the literature in individuals affected with RIMS1-related conditions. This variant is not present in population databases (gnomAD no frequency). This sequence change replaces histidine, which is basic and polar, with tyrosine, which is neutral and polar, at codon 517 of the RIMS1 protein (p.His517Tyr).

NM_014989.7(RIMS1):c.1549C>T (p.His517Tyr)

Gene: RIMS1 (regulating synaptic membrane exocytosis 1; plus strand). Cytogenetic location: 6q13.
Variant type: single nucleotide variant.
Coding change: c.1549C>T on transcript NM_014989.7 (MANE Select); coding-DNA position 1549, C replaced by T.
Protein change: p.His517Tyr; replaces histidine 517 with tyrosine.
Molecular consequence: missense variant.
Genome position (GRCh38, 1-based): chr6:72,183,020, C>T. VCF-style: chr6-72183020-C-T. GRCh37 (hg19) VCF-style: chr6-72892723-C-T.
Other names: c.1549C>T (NM_014989.4); short protein forms H517Y.
Identifiers: ClinVar variation 1718257 (VCV001718257.7), dbSNP rs2551809755, ClinGen allele CA364821929.